The following is an entry in ClinVar:

ClinVar aggregate classification (germline): Conflicting classifications of pathogenicity. Review status: criteria provided, conflicting classifications (1 of 4 stars). 2 submissions from 2 submitters: Likely pathogenic (1); Uncertain significance (1). Last evaluated 2025-04-24.

Conditions:
Neurodevelopmental disorder with or without early-onset generalized epilepsy. Identifiers: MedGen C5436914, MONDO:0030930, OMIM 619157.

Submissions (2):

GeneDx
Classification: Uncertain significance. Last evaluated: 2025-04-24. Review status: criteria provided, single submitter. Criteria: GeneDx Variant Classification Process June 2021. Collection method: clinical testing. Allele origin: germline. Affected: yes.
Comment: Not observed at significant frequency in large population cohorts (gnomAD); Intronic +5 splice site variant in a gene for which loss of function is a known mechanism of disease, and both splice predictors and evolutionary conservation support a deleterious effect, although in the absence of functional evidence the actual effect of this sequence change is unknown.; Has not been previously published as pathogenic or benign to our knowledge

Clinical Genetics and Genomics, Karolinska University Hospital
Classification: Likely pathogenic for Neurodevelopmental disorder with or without early-onset generalized epilepsy. Last evaluated: 2025-04-02. Review status: criteria provided, single submitter. Criteria: ACMG Guidelines, 2015. Collection method: clinical testing. Allele origin: germline. Inheritance: Autosomal dominant inheritance. Affected: yes.

NM_001385012.1(NBEA):c.7176+3_7176+6del

Gene: NBEA (neurobeachin; plus strand). Cytogenetic location: 13q13.3.
Variant type: Deletion.
Coding change: c.7176+3_7176+6del on transcript NM_001385012.1 (MANE Select); bases 3 to 6 of the intron after coding-DNA position 7176, 4 bases deleted (GAGT; older notation c.7176+3_7176+6delGAGT).
Molecular consequence: splice donor variant.
Genome position (GRCh38, 1-based): chr13:35,584,041-35,584,044, GAGT deleted; deleting any 4 consecutive bases within chr13:35,584,039-35,584,044 gives the same sequence; the c. name uses the placement nearest the transcript's 3' end. VCF-style (leftmost placement, unchanged base first): chr13-35584038-TGTGA-T. GRCh37 (hg19) VCF-style: chr13-36158175-TGTGA-T.
Other names: c.7176+3_7176+6del (NM_015678.5); c.7167+3_7167+6del (NM_001379245.1); c.555+3_555+6del (NM_001204197.3).
Identifiers: ClinVar variation 4527580 (VCV004527580.2).